The following is an entry in ClinVar:

NM_001370466.1(NOD2):c.1502C>A (p.Pro501Gln)

Gene: NOD2 (nucleotide binding oligomerization domain containing 2; plus strand). Cytogenetic location: 16q12.1.
Variant type: single nucleotide variant.
Coding change: c.1502C>A on transcript NM_001370466.1 (MANE Select); coding-DNA position 1502, C replaced by A.
Protein change: p.Pro501Gln; replaces proline 501 with glutamine.
Molecular consequence: missense variant. On other transcripts: non-coding transcript variant (1).
Genome position (GRCh38, 1-based): chr16:50,711,494, C>A. VCF-style: chr16-50711494-C-A. GRCh37 (hg19) VCF-style: chr16-50745405-C-A.
Other names: c.1502C>A, p.Pro501Gln (NM_001293557.2); c.1583C>A, p.Pro528Gln (NM_022162.3); short protein forms P501Q, P528Q.
Identifiers: ClinVar variation 1430385 (VCV001430385.6), dbSNP rs773811702, ClinGen allele CA8051582.

ClinVar aggregate classification (germline): Uncertain significance (1 of 4 stars; one submission).

Conditions:
Blau syndrome (BLAUS). Also called: ARTHROCUTANEOUVEAL GRANULOMATOSIS; GRANULOMATOSIS, FAMILIAL JUVENILE SYSTEMIC; GRANULOMATOSIS, FAMILIAL, BLAU TYPE; GRANULOMATOUS INFLAMMATORY ARTHRITIS, DERMATITIS, AND UVEITIS, FAMILIAL; JABS SYNDROME. Identifiers: Orphanet 90340, MedGen C5201146, MONDO:0008523, OMIM 186580.
Regional enteritis. Also called: Enteritis, Granulomatous. Identifiers: MedGen C0678202, MeSH D003424.

Allele frequency attached by ClinVar (database versions not stated): TOPMed 0.00001.
gnomAD v4.1: 2 of 1,613,378 alleles (0.00012%); highest among the groups gnomAD compares: Admixed American, 0.0017%; no homozygotes.

Submission:

Labcorp Genetics (formerly Invitae), Labcorp
Classification: Uncertain significance for Regional enteritis; Blau syndrome. Last evaluated: 2021-10-10. Review status: criteria provided, single submitter. Criteria: Invitae Variant Classification Sherloc (09022015). Collection method: clinical testing. Allele origin: germline.
Comment: This sequence change replaces proline with glutamine at codon 528 of the NOD2 protein (p.Pro528Gln). The proline residue is moderately conserved and there is a moderate physicochemical difference between proline and glutamine. In summary, the available evidence is currently insufficient to determine the role of this variant in disease. Therefore, it has been classified as a Variant of Uncertain Significance. Advanced modeling of protein sequence and biophysical properties (such as structural, functional, and spatial information, amino acid conservation, physicochemical variation, residue mobility, and thermodynamic stability) performed at Invitae indicates that this missense variant is not expected to disrupt NOD2 protein function. This variant has not been reported in the literature in individuals affected with NOD2-related conditions. This variant is present in population databases (rs773811702, ExAC 0.002%).